The following is an entry in ClinVar:

NM_000135.4(FANCA):c.2551C>G (p.Gln851Glu)

Gene: FANCA (FA complementation group A; minus strand). Cytogenetic location: 16q24.3.
Variant type: single nucleotide variant.
Coding change: c.2551C>G on transcript NM_000135.4 (MANE Select); coding-DNA position 2551, C replaced by G.
Protein change: p.Gln851Glu; replaces glutamine 851 with glutamic acid.
Molecular consequence: missense variant.
Genome position (GRCh38, 1-based): chr16:89,767,191, G>C on the plus strand (C>G on the coding strand, the complement: FANCA is on the minus strand). VCF-style: chr16-89767191-G-C. GRCh37 (hg19) VCF-style: chr16-89833599-G-C.
Other names: c.2551C>G, p.Gln851Glu (NM_001286167.3); c.2551C>G (NM_000135.3); short protein forms Q851E.
Identifiers: ClinVar variation 3512635 (VCV003512635.2).
Genomic context (GRCh38, chr16:89,767,191, plus strand): 5'-GTGAACCTACCTTTTTAATAAGGCCTGGAGATAAGCAGCTGCACAAAGTATCTCGTGACT[G>C]GGAAGAAAACTTGCAGAGAGAGTAAGAAATTGCTGCTGTACAAAATCTGAAAACAGAAAT-3'
Protein context (NP_000126.2, residues 841-861): ISYSLCKFSS[Gln851Glu]SRDTLCSCLS

ClinVar aggregate classification (germline): Uncertain significance. Review status: criteria provided, multiple submitters, no conflicts (2 of 4 stars). 2 submissions from 2 submitters: Uncertain significance (2). Last evaluated 2025-04-07.

Conditions:
Inborn genetic diseases. Identifiers: MedGen C0950123, MeSH D030342.

gnomAD v4.1: 23 of 1,613,786 alleles (0.0014%); highest among the groups gnomAD compares: Non-Finnish European, 0.0019%; no homozygotes.

Submissions (2):

Quest Diagnostics Nichols Institute San Juan Capistrano
Classification: Uncertain significance. Last evaluated: 2025-04-07. Review status: criteria provided, single submitter. Criteria: Quest Diagnostics criteria. Collection method: clinical testing. Allele origin: unknown.
Comment: The FANCA c.2551C>G (p.Gln851Glu) variant has not been reported in the germline of individuals with FANCA-related conditions in the published literature. The frequency of this variant in the general population (Genome Aggregation Database) is uninformative in the assessment of its pathogenicity. Analysis of this variant using bioinformatics tools for the prediction of the effect of amino acid changes on protein structure and function yielded predictions that this variant is benign. Based on the available information, we are unable to determine the clinical significance of this variant.

Ambry Genetics
Classification: Uncertain significance for Inborn genetic diseases. Last evaluated: 2024-11-18. Review status: criteria provided, single submitter. Criteria: Ambry Variant Classification Scheme 2023. Collection method: clinical testing. Allele origin: germline.
Comment: The p.Q851E variant (also known as c.2551C>G), located in coding exon 27 of the FANCA gene, results from a C to G substitution at nucleotide position 2551. The glutamine at codon 851 is replaced by glutamic acid, an amino acid with highly similar properties. This amino acid position is conserved. In addition, this alteration is predicted to be tolerated by in silico analysis. Based on the available evidence, the clinical significance of this variant remains unclear.

Literature cited by the submitters: PubMed 31721781 (cited by Quest Diagnostics Nichols Institute San Juan Capistrano).